The following is an entry in ClinVar:

NM_001009994.3(RIPPLY2):c.64G>A (p.Gly22Ser)

Genes: RIPPLY2 (ripply transcriptional repressor 2; plus strand), RIPPLY2-CYB5R4 (RIPPLY2-CYB5R4 readthrough; plus strand). Cytogenetic location: 6q14.2.
Variant type: single nucleotide variant.
Coding change: c.64G>A on transcript NM_001009994.3 (MANE Select); coding-DNA position 64, G replaced by A.
Protein change: p.Gly22Ser; replaces glycine 22 with serine.
Molecular consequence: missense variant. On other transcripts: non-coding transcript variant (1).
Genome position (GRCh38, 1-based): chr6:83,853,480, G>A. VCF-style: chr6-83853480-G-A. GRCh37 (hg19) VCF-style: chr6-84563199-G-A.
Other names: c.64G>A, p.Gly22Ser (NM_001400900.1); short protein forms G22S.
Identifiers: ClinVar variation 3608024 (VCV003608024.2).

ClinVar aggregate classification (germline): Uncertain significance (1 of 4 stars; one submission).

gnomAD v4.1: 34 of 1,538,652 alleles (0.0022%); highest among the groups gnomAD compares: South Asian, 0.035%; 1 homozygote.

Submission:

Labcorp Genetics (formerly Invitae), Labcorp
Classification: Uncertain significance. Last evaluated: 2025-01-29. Review status: criteria provided, single submitter. Criteria: Invitae Variant Classification Sherloc (09022015). Collection method: clinical testing. Allele origin: germline.
Comment: This sequence change replaces glycine, which is neutral and non-polar, with serine, which is neutral and polar, at codon 22 of the RIPPLY2 protein (p.Gly22Ser). This variant is present in population databases (rs747616891, gnomAD 0.04%). This variant has not been reported in the literature in individuals affected with RIPPLY2-related conditions. An algorithm developed to predict the effect of missense changes on protein structure and function outputs the following: PolyPhen-2: "Benign". The serine amino acid residue is found in multiple mammalian species, which suggests that this missense change does not adversely affect protein function. In summary, the available evidence is currently insufficient to determine the role of this variant in disease. Therefore, it has been classified as a Variant of Uncertain Significance.